The following is an entry in ClinVar:

NM_012216.4(MID2):c.1217C>A (p.Ser406Tyr)

Genes: MID2 (midline 2; plus strand), LOC101928335 (uncharacterized LOC101928335; minus strand). Cytogenetic location: Xq22.3.
Variant type: single nucleotide variant.
Coding change: c.1217C>A on transcript NM_012216.4 (MANE Select); coding-DNA position 1217, C replaced by A.
Protein change: p.Ser406Tyr; replaces serine 406 with tyrosine.
Molecular consequence: missense variant.
Genome position (GRCh38, 1-based): chrX:107,917,521, C>A. VCF-style: chrX-107917521-C-A. GRCh37 (hg19) VCF-style: chrX-107160751-C-A.
Other names: c.1157C>A, p.Ser386Tyr (NM_001382751.1, NM_001382752.1); c.1217C>A, p.Ser406Tyr (NM_052817.3); short protein forms S386Y, S406Y.
Identifiers: ClinVar variation 1703142 (VCV001703142.3), dbSNP rs1932991373, ClinGen allele CA413898294.

ClinVar aggregate classification (germline): Uncertain significance (1 of 4 stars; one submission).

Allele frequency attached by ClinVar (database versions not stated): gnomAD exomes below 0.00001; TOPMed 0.00003.
gnomAD v4.1: 2 of 1,209,349 alleles (0.00017%); highest among the groups gnomAD compares: African/African-American, 0.0035%; no homozygotes.

Submission:

Greenwood Genetic Center Diagnostic Laboratories, Greenwood Genetic Center
Classification: Uncertain significance. Last evaluated: 2022-04-14. Review status: criteria provided, single submitter. Criteria: ACMG Guidelines, 2015. Collection method: clinical testing. Allele origin: germline. Affected: yes.
Comment: Gene of Uncertain Significance